The following is an entry in ClinVar:

NM_024685.4(BBS10):c.1442A>G (p.Glu481Gly)

Gene: BBS10 (Bardet-Biedl syndrome 10; minus strand). Cytogenetic location: 12q21.2.
Variant type: single nucleotide variant.
Coding change: c.1442A>G on transcript NM_024685.4 (MANE Select); coding-DNA position 1442, A replaced by G.
Protein change: p.Glu481Gly; replaces glutamic acid 481 with glycine.
Molecular consequence: missense variant.
Genome position (GRCh38, 1-based): chr12:76,346,543, T>C on the plus strand (A>G on the coding strand, the complement: BBS10 is on the minus strand). VCF-style: chr12-76346543-T-C. GRCh37 (hg19) VCF-style: chr12-76740323-T-C.
Other names: c.1442A>G (NM_024685.3); short protein forms E481G.
Identifiers: ClinVar variation 1905220 (VCV001905220.4), dbSNP rs779567118, ClinGen allele CA6694170.

ClinVar aggregate classification (germline): Uncertain significance. Review status: criteria provided, multiple submitters, no conflicts (2 of 4 stars). 3 submissions from 3 submitters: Uncertain significance (3). Last evaluated 2026-02-16.

Conditions:
BBS10-related disorder. Also called: BBS10-related condition.
Inborn genetic diseases. Identifiers: MedGen C0950123, MeSH D030342.
Bardet-Biedl syndrome (BBS). Identifiers: Orphanet 110, MedGen C0752166, MONDO:0015229.

Allele frequency attached by ClinVar (database versions not stated): gnomAD exomes 0.00001; gnomAD 0.00002; ExAC 0.00003; TOPMed 0.00004.
gnomAD v4.1: 15 of 1,614,024 alleles (0.00093%); highest among the groups gnomAD compares: Admixed American, 0.0033%; no homozygotes.

Submissions (3):

PreventionGenetics, part of Exact Sciences
Classification: Uncertain significance for BBS10-related condition. Last evaluated: 2026-02-16. Review status: criteria provided, single submitter. Criteria: ACMG Guidelines, 2015. Collection method: clinical testing. Allele origin: germline.
Comment: The BBS10 c.1442A>G variant is predicted to result in the amino acid substitution p.Glu481Gly. To our knowledge, this variant has not been reported in the literature. This variant is reported in 0.0056% of alleles in individuals of Latino descent in gnomAD. At this time, the clinical significance of this variant is uncertain due to the absence of conclusive functional and genetic evidence.

Ambry Genetics
Classification: Uncertain significance for Inborn genetic diseases. Last evaluated: 2025-10-07. Review status: criteria provided, single submitter. Criteria: Ambry Variant Classification Scheme 2023. Collection method: clinical testing. Allele origin: germline.

Labcorp Genetics (formerly Invitae), Labcorp
Classification: Uncertain significance for Bardet-Biedl syndrome. Last evaluated: 2022-03-10. Review status: criteria provided, single submitter. Criteria: Invitae Variant Classification Sherloc (09022015). Collection method: clinical testing. Allele origin: germline.
Comment: This sequence change replaces glutamic acid, which is acidic and polar, with glycine, which is neutral and non-polar, at codon 481 of the BBS10 protein (p.Glu481Gly). This variant is present in population databases (rs779567118, gnomAD 0.006%). This variant has not been reported in the literature in individuals affected with BBS10-related conditions. Algorithms developed to predict the effect of missense changes on protein structure and function (SIFT, PolyPhen-2, Align-GVGD) all suggest that this variant is likely to be tolerated. In summary, the available evidence is currently insufficient to determine the role of this variant in disease. Therefore, it has been classified as a Variant of Uncertain Significance.